The following is an entry in ClinVar:

NM_017636.4(TRPM4):c.2864G>A (p.Arg955Gln)

Gene: TRPM4 (transient receptor potential cation channel subfamily M member 4; plus strand). Cytogenetic location: 19q13.33.
Variant type: single nucleotide variant.
Coding change: c.2864G>A on transcript NM_017636.4 (MANE Select); coding-DNA position 2864, G replaced by A.
Protein change: p.Arg955Gln; replaces arginine 955 with glutamine.
Molecular consequence: missense variant.
Genome position (GRCh38, 1-based): chr19:49,200,696, G>A. VCF-style: chr19-49200696-G-A. GRCh37 (hg19) VCF-style: chr19-49703953-G-A.
Other names: c.2429G>A, p.Arg810Gln (NM_001195227.2); c.2519G>A, p.Arg840Gln (NM_001321281.2); c.1256G>A, p.Arg419Gln (NM_001321282.2); c.2342G>A, p.Arg781Gln (NM_001321283.2); c.1802G>A, p.Arg601Gln (NM_001321285.2); short protein forms R419Q, R955Q, R840Q, R781Q, R810Q, R601Q.
Identifiers: ClinVar variation 3462169 (VCV003462169.2).

ClinVar aggregate classification (germline): Conflicting classifications of pathogenicity. Review status: criteria provided, conflicting classifications (1 of 4 stars). 2 submissions from 2 submitters: Uncertain significance (1); Likely benign (1). Last evaluated 2025-12-22.

Conditions:
Cardiovascular phenotype. Identifiers: MedGen CN230736.
Progressive familial heart block type IB (PFHB1B). Identifiers: Orphanet 871, MedGen C1970298, MONDO:0011474, OMIM 604559.

gnomAD v4.1: 10 of 1,614,032 alleles (0.00062%); highest among the groups gnomAD compares: Non-Finnish European, 0.00076%; no homozygotes.

Submissions (2):

Labcorp Genetics (formerly Invitae), Labcorp
Classification: Uncertain significance for Progressive familial heart block type IB. Last evaluated: 2025-12-22. Review status: criteria provided, single submitter. Criteria: Invitae Variant Classification Sherloc (09022015). Collection method: clinical testing. Allele origin: germline.
Comment: This sequence change replaces arginine, which is basic and polar, with glutamine, which is neutral and polar, at codon 955 of the TRPM4 protein (p.Arg955Gln). This variant is not present in population databases (gnomAD no frequency). This variant has not been reported in the literature in individuals affected with TRPM4-related conditions. ClinVar contains an entry for this variant (Variation ID: 3462169). An algorithm developed to predict the effect of missense changes on protein structure and function outputs the following: PolyPhen-2: "Benign". The glutamine amino acid residue is found in multiple mammalian species, which suggests that this missense change does not adversely affect protein function. In summary, the available evidence is currently insufficient to determine the role of this variant in disease. Therefore, it has been classified as a Variant of Uncertain Significance.

Ambry Genetics
Classification: Likely benign for Cardiovascular phenotype. Last evaluated: 2024-11-21. Review status: criteria provided, single submitter. Criteria: Ambry Variant Classification Scheme 2023. Collection method: clinical testing. Allele origin: germline.